The following is an entry in ClinVar:

ClinVar aggregate classification (germline): Conflicting classifications of pathogenicity. Review status: criteria provided, conflicting classifications (1 of 4 stars). 3 submissions from 3 submitters: Pathogenic (1); Likely pathogenic (1); Uncertain significance (1). Last evaluated 2026-04-14.

Conditions:
Progressive familial intrahepatic cholestasis (PFIC). Also called: Progressive family intrahepatic cholestasis; Progressive intrahepatic cholestasis. Identifiers: Orphanet 172, MedGen C0268312, MONDO:0015762.
Familial intrahepatic cholestasis. Identifiers: Orphanet 284385, MedGen CN296401, MONDO:0017290.

Allele frequency attached by ClinVar (database versions not stated): TOPMed below 0.00001.

Submissions (3):

Genomenon, Inc
Classification: Uncertain significance for Familial intrahepatic cholestasis. Last evaluated: 2026-04-14. Review status: criteria provided, single submitter. Criteria: Genomenon Sequence Variant Interpretation Standards - Updated. Collection method: curation. Allele origin: germline. Affected: yes.
Comment: ABCB11 p.Ser1154Pro (c.3460T>C) is a missense variant that changes the amino acid at residue 1154 from Serine to Proline. This variant has been observed in at least one proband with an ABCB11-related disorder (PMID:18395098). Splicing studies have been reported (PMID:19101985). It is absent or not present at a significant frequency in gnomAD. In silico models predict that this variant is possibly or probably damaging. In conclusion, we classify ABCB11 p.Ser1154Pro (c.3460T>C) as a variant of uncertain significance.

Women's Health and Genetics/Laboratory Corporation of America, LabCorp
Classification: Likely pathogenic for Progressive familial intrahepatic cholestasis. Last evaluated: 2025-05-12. Review status: criteria provided, single submitter. Criteria: LabCorp Variant Classification Summary - May 2015. Collection method: clinical testing. Allele origin: germline.
Comment: Variant summary: ABCB11 c.3460T>C (p.Ser1154Pro) results in a non-conservative amino acid change in the encoded protein sequence. Algorithms developed to predict the effect of missense changes on protein structure and function all suggest that this variant is likely to be disruptive. At least one publication reports experimental evidence that this variant affects mRNA splicing. The variant was absent in 249204 control chromosomes. c.3460T>C has been observed in compound heterozygous state in an individual affected with Familial Intrahepatic Cholestasis (Strautnieks_2008). At least one experimental study has been performed to assess the effect of this variant and it shows that this variant results in aberant splicing by creating a cryptic acceptor splice site (Byrne_2009). The following publications have been ascertained in the context of this evaluation (PMID: 19101985, 18395098). ClinVar contains an entry for this variant (Variation ID: 2734323). Based on the evidence outlined above, the variant was classified as likely pathogenic.

Labcorp Genetics (formerly Invitae), Labcorp
Classification: Pathogenic. Last evaluated: 2023-07-29. Review status: criteria provided, single submitter. Criteria: Invitae Variant Classification Sherloc (09022015). Collection method: clinical testing. Allele origin: germline.
Comment: This sequence change replaces serine, which is neutral and polar, with proline, which is neutral and non-polar, at codon 1154 of the ABCB11 protein (p.Ser1154Pro). RNA analysis indicates that this missense change induces altered splicing and likely results in the loss of 24 amino acid residue(s), but is expected to preserve the integrity of the reading-frame. For these reasons, this variant has been classified as Pathogenic. This variant disrupts a region of the ABCB11 protein in which other variant(s) (p.Arg1153Cys) have been determined to be pathogenic (PMID: 9806540, 18395098, 20232290, 26678486, 27050426). This suggests that this is a clinically significant region of the protein, and that variants that disrupt it are likely to be disease-causing. Studies have shown that this missense change results in the activation of a cryptic splice site in exon 26 (PMID: 19101985). Advanced modeling of protein sequence and biophysical properties (such as structural, functional, and spatial information, amino acid conservation, physicochemical variation, residue mobility, and thermodynamic stability) performed at Invitae indicates that this missense variant is expected to disrupt ABCB11 protein function. This missense change has been observed in individual(s) with familial intrahepatic cholestasis (PMID: 18395098). This variant is not present in population databases (gnomAD no frequency).

Literature cited by the submitters: PubMed 18395098 (cited by 3 submitters); PubMed 19101985 (cited by 3 submitters); PubMed 10579978 (cited by Women's Health and Genetics/Laboratory Corporation of America, LabCorp); PubMed 9806540 (cited by Labcorp Genetics (formerly Invitae), Labcorp); PubMed 20232290 (cited by Labcorp Genetics (formerly Invitae), Labcorp); PubMed 26678486 (cited by Labcorp Genetics (formerly Invitae), Labcorp); PubMed 27050426 (cited by Labcorp Genetics (formerly Invitae), Labcorp).

NM_003742.4(ABCB11):c.3460T>C (p.Ser1154Pro)

Gene: ABCB11 (ATP binding cassette subfamily B member 11; minus strand). Cytogenetic location: 2q31.1.
Variant type: single nucleotide variant.
Coding change: c.3460T>C on transcript NM_003742.4 (MANE Select); coding-DNA position 3460, T replaced by C.
Protein change: p.Ser1154Pro; replaces serine 1154 with proline.
Molecular consequence: missense variant.
Genome position (GRCh38, 1-based): chr2:168,927,314, A>G on the plus strand (T>C on the coding strand, the complement: ABCB11 is on the minus strand). VCF-style: chr2-168927314-A-G. GRCh37 (hg19) VCF-style: chr2-169783824-A-G.
Other names: short protein forms S1154P.
Identifiers: ClinVar variation 2734323 (VCV002734323.5), dbSNP rs778415287, ClinGen allele CA349119860.